The following is an entry in ClinVar:

ClinVar aggregate classification (germline): Likely benign (1 of 4 stars; one submission).

Submission:

CeGaT Center for Human Genetics Tuebingen
Classification: Likely benign. Last evaluated: 2025-10-01. Review status: criteria provided, single submitter. Criteria: CeGaT Center For Human Genetics Tuebingen Variant Classification Criteria Version 2. Collection method: clinical testing. Allele origin: germline. Affected: yes. Observed: 1 variant allele.
Comment: KRTAP5-2: BP4, BP7

NM_001004325.2(KRTAP5-2):c.297C>T (p.Gly99=)

Genes: KRTAP5-2 (keratin associated protein 5-2; minus strand), KRTAP5-AS1 (KRTAP5-1/KRTAP5-2 antisense RNA 1; plus strand). Cytogenetic location: 11p15.5.
Variant type: single nucleotide variant.
Coding change: c.297C>T on transcript NM_001004325.2 (MANE Select); coding-DNA position 297, C replaced by T.
Protein change: p.Gly99=; no amino-acid change (glycine 99 retained).
Molecular consequence: synonymous variant. On other transcripts: non-coding transcript variant (1).
Genome position (GRCh38, 1-based): chr11:1,597,954, G>A on the plus strand (C>T on the coding strand, the complement: KRTAP5-2 is on the minus strand). VCF-style: chr11-1597954-G-A. GRCh37 (hg19) VCF-style: chr11-1619184-G-A.
Identifiers: ClinVar variation 4533504 (VCV004533504.6).